The following is an entry in ClinVar:

ClinVar aggregate classification (germline): Uncertain significance (1 of 4 stars; one submission).

Conditions:
Multiple self-healing squamous epithelioma (MSSE). Also called: MULTIPLE SELF-HEALING SQUAMOUS EPITHELIOMA, SUSCEPTIBILITY TO. Identifiers: Orphanet 65748, MedGen C0546476, MONDO:0007566, OMIM 132800.
Loeys-Dietz syndrome 1 (LDS1). Also called: FURLONG SYNDROME; TGFBR1-Related Loeys-Dietz Syndrome; AORTIC ANEURYSM, FAMILIAL THORACIC 5. Identifiers: Orphanet 60030, MedGen C4551955, MONDO:0012212, OMIM 609192.

Submission:

Center for Genomics, Ann and Robert H. Lurie Children's Hospital of Chicago
Classification: Uncertain significance for Multiple self-healing squamous epithelioma; Loeys-Dietz syndrome 1. Review status: criteria provided, single submitter. Criteria: ACMG Guidelines, 2015. Collection method: clinical testing. Allele origin: germline.
Comment: TGFBR1 NM_004612.3 exon 3 p.Gly122delinsSerValLysSerSer (c.364_366delins15): This variant has not been reported in the literature and is not present in large control databases. Evolutionary conservation and computational predictive tools for this variant are limited or unavailable. This variant represents an in-frame deletion of 1 amino acid at position 122 and an insertion of 5 amino acids; it is not predicted to alter the reading frame. However, the effect of this variant on the protein is unclear. In summary, data on this variant is insufficient for disease classification. Therefore, the clinical significance of this variant is uncertain.

NM_004612.4(TGFBR1):c.363_364insTCA (p.Leu121_Gly122insSer)

Gene: TGFBR1 (transforming growth factor beta receptor 1; plus strand). Cytogenetic location: 9q22.33.
Variant type: Insertion.
Coding change: c.363_364insTCA on transcript NM_004612.4 (MANE Select); coding-DNA positions 363 to 364, TCA inserted.
Protein change: p.Leu121_Gly122insSer.
Molecular consequence: inframe insertion. On other transcripts: intron variant (1).
Genome position: GRCh38 VCF-style: chr9-99132528-T-TTCA. GRCh37 (hg19) VCF-style: chr9-101894810-T-TTCA.
Other names: c.375_376insTCA, p.Leu125_Gly126insSer (NM_001306210.2); c.343+3428_343+3429insTCA (NM_001130916.3).
Identifiers: ClinVar variation 1527851 (VCV001527851.3), dbSNP rs2118625345, ClinGen allele CA2573144941.